The following is an entry in ClinVar:

NM_004859.4(CLTC):c.1213C>G (p.Pro405Ala)

Gene: CLTC (clathrin heavy chain; plus strand). Cytogenetic location: 17q23.1.
Variant type: single nucleotide variant.
Coding change: c.1213C>G on transcript NM_004859.4 (MANE Select); coding-DNA position 1213, C replaced by G.
Protein change: p.Pro405Ala; replaces proline 405 with alanine.
Molecular consequence: missense variant.
Genome position (GRCh38, 1-based): chr17:59,661,488, C>G. VCF-style: chr17-59661488-C-G. GRCh37 (hg19) VCF-style: chr17-57738849-C-G.
Other names: c.1225C>G, p.Pro409Ala (NM_001288653.2); c.1213C>G (NM_004859.3); short protein forms P409A, P405A.
Identifiers: ClinVar variation 3004670 (VCV003004670.4), dbSNP rs1409711775, ClinGen allele CA400424356.

ClinVar aggregate classification (germline): Uncertain significance. Review status: criteria provided, multiple submitters, no conflicts (2 of 4 stars). 2 submissions from 2 submitters: Uncertain significance (2). Last evaluated 2025-05-01.

Conditions:
Inborn genetic diseases. Identifiers: MedGen C0950123, MeSH D030342.

Allele frequency attached by ClinVar (database versions not stated): gnomAD exomes below 0.00001; gnomAD 0.00001.
gnomAD v4.1: 7 of 1,613,888 alleles (0.00043%); highest among the groups gnomAD compares: Middle Eastern, 0.016%; no homozygotes.

Submissions (2):

Ambry Genetics
Classification: Uncertain significance for Inborn genetic diseases. Last evaluated: 2025-05-01. Review status: criteria provided, single submitter. Criteria: Ambry Variant Classification Scheme 2023. Collection method: clinical testing. Allele origin: germline.

Labcorp Genetics (formerly Invitae), Labcorp
Classification: Uncertain significance. Last evaluated: 2024-03-02. Review status: criteria provided, single submitter. Criteria: Invitae Variant Classification Sherloc (09022015). Collection method: clinical testing. Allele origin: germline.
Comment: This sequence change replaces proline, which is neutral and non-polar, with alanine, which is neutral and non-polar, at codon 409 of the CLTC protein (p.Pro409Ala). This variant is present in population databases (no rsID available, gnomAD 0.007%). This variant has not been reported in the literature in individuals affected with CLTC-related conditions. Advanced modeling of protein sequence and biophysical properties (such as structural, functional, and spatial information, amino acid conservation, physicochemical variation, residue mobility, and thermodynamic stability) performed at Invitae indicates that this missense variant is not expected to disrupt CLTC protein function with a negative predictive value of 80%. In summary, the available evidence is currently insufficient to determine the role of this variant in disease. Therefore, it has been classified as a Variant of Uncertain Significance.